The following is an entry in ClinVar:

ClinVar aggregate classification (germline): Conflicting classifications of pathogenicity. Review status: criteria provided, conflicting classifications (1 of 4 stars). 2 submissions from 2 submitters: Uncertain significance (1); Likely benign (1). Last evaluated 2024-11-04.

Conditions:
Landau-Kleffner syndrome (FESD). Also called: APHASIA, ACQUIRED, WITH EPILEPSY; EPILEPSY, FOCAL, WITH SPEECH DISORDER AND WITH OR WITHOUT MENTAL RETARDATION. Identifiers: Orphanet 1945, Orphanet 725, Orphanet 98818, MedGen C0282512, MONDO:0009509, OMIM 245570.

Submissions (2):

Labcorp Genetics (formerly Invitae), Labcorp
Classification: Uncertain significance for Landau-Kleffner syndrome. Last evaluated: 2024-11-04. Review status: criteria provided, single submitter. Criteria: Invitae Variant Classification Sherloc (09022015). Collection method: clinical testing. Allele origin: germline.
Comment: This sequence change replaces serine, which is neutral and polar, with phenylalanine, which is neutral and non-polar, at codon 556 of the GRIN2A protein (p.Ser556Phe). This variant is not present in population databases (gnomAD no frequency). This variant has not been reported in the literature in individuals affected with GRIN2A-related conditions. ClinVar contains an entry for this variant (Variation ID: 129184). Invitae Evidence Modeling of protein sequence and biophysical properties (such as structural, functional, and spatial information, amino acid conservation, physicochemical variation, residue mobility, and thermodynamic stability) indicates that this missense variant is not expected to disrupt GRIN2A protein function with a negative predictive value of 95%. In summary, the available evidence is currently insufficient to determine the role of this variant in disease. Therefore, it has been classified as a Variant of Uncertain Significance.

Genetic Services Laboratory, University of Chicago
Classification: Likely benign for AllHighlyPenetrant. Last evaluated: 2013-01-11. Review status: criteria provided, single submitter. Criteria: ACMG Guidelines, 2007. Collection method: clinical testing. Allele origin: germline. Inheritance: Autosomal dominant inheritance.

NM_001134407.3(GRIN2A):c.1667C>T (p.Ser556Phe)

Gene: GRIN2A (glutamate ionotropic receptor NMDA type subunit 2A; minus strand). Cytogenetic location: 16p13.2.
Variant type: single nucleotide variant.
Coding change: c.1667C>T on transcript NM_001134407.3 (MANE Select); coding-DNA position 1667, C replaced by T.
Protein change: p.Ser556Phe; replaces serine 556 with phenylalanine.
Molecular consequence: missense variant.
Genome position (GRCh38, 1-based): chr16:9,834,215, G>A on the plus strand (C>T on the coding strand, the complement: GRIN2A is on the minus strand). VCF-style: chr16-9834215-G-A. GRCh37 (hg19) VCF-style: chr16-9928072-G-A.
Other names: c.1667C>T, p.Ser556Phe (NM_000833.5, NM_001134408.2); short protein forms S556F.
Identifiers: ClinVar variation 129184 (VCV000129184.8), dbSNP rs587780349, ClinGen allele CA153029.